The following is an entry in ClinVar:

ClinVar aggregate classification (germline): Pathogenic. Review status: reviewed by expert panel (3 of 4 stars). 9 submissions from 9 submitters: Pathogenic (1). 8 of the submissions do not count toward it. Last evaluated 2017-12-15.

Conditions:
BRCA2-related disorder. Also called: BRCA2-related condition; BRCA2-related disorders. Identifiers: MedGen CN239275.
Hereditary cancer-predisposing syndrome. Also called: Tumor predisposition; Neoplastic Syndromes, Hereditary; Hereditary neoplastic syndrome; Hereditary Cancer Syndrome. Identifiers: Orphanet 140162, MedGen C0027672, MeSH D009386, MONDO:0015356.
Hereditary breast ovarian cancer syndrome. Also called: Hereditary breast and ovarian cancer; BRCA1- and BRCA2-Associated Hereditary Breast and Ovarian Cancer; Hereditary breast and/or ovarian cancer syndrome; Hereditary breast and ovarian cancer syndrome; Breast and ovarian cancer; Hereditary breast and ovarian cancer syndrome (HBOC). Identifiers: Orphanet 145, MedGen C0677776, MeSH D061325, MONDO:0003582. Disease mechanism: loss of function.
Breast-ovarian cancer, familial, susceptibility to, 2 (BROVCA2). Also called: BRCA2 Hereditary Breast and Ovarian Cancer. Identifiers: Orphanet 145, MedGen C2675520, MONDO:0012933, OMIM 612555. Disease mechanism: loss of function.
Familial cancer of breast. Also called: BREAST CANCER, FAMILIAL; hereditary breast carcinoma; Hereditary breast cancer. Identifiers: Orphanet 227535, MedGen C0346153, MONDO:0016419, OMIM 114480. Disease mechanism: loss of function.

Submissions (9):

Evidence-based Network for the Interpretation of Germline Mutant Alleles (ENIGMA)
Classification: Pathogenic for Breast-ovarian cancer, familial, susceptibility to, 2. Last evaluated: 2017-12-15. Review status: reviewed by expert panel. Criteria: ENIGMA BRCA1/2 Classification Criteria (2017-06-29). Collection method: curation. Allele origin: germline. Study: ENIGMA.
Comment: Variant allele predicted to encode a truncated non-functional protein.

Labcorp Genetics (formerly Invitae), Labcorp
Classification: Pathogenic for Hereditary breast ovarian cancer syndrome. Last evaluated: 2025-07-14. Review status: criteria provided, single submitter. Criteria: Invitae Variant Classification Sherloc (09022015). Collection method: clinical testing. Allele origin: germline. Not counted in ClinVar's aggregate classification.
Comment: This sequence change creates a premature translational stop signal (p.Glu475*) in the BRCA2 gene. It is expected to result in an absent or disrupted protein product. Loss-of-function variants in BRCA2 are known to be pathogenic (PMID: 20104584). This variant is not present in population databases (gnomAD no frequency). This premature translational stop signal has been observed in individual(s) with breast cancer (PMID: 17513806). ClinVar contains an entry for this variant (Variation ID: 51123). For these reasons, this variant has been classified as Pathogenic.

Blueprint Genetics
Classification: Pathogenic for BRCA2-related disorders. Last evaluated: 2024-08-12. Review status: criteria provided, single submitter. Criteria: ACMG Guidelines, 2015. Collection method: clinical testing. Allele origin: germline. Affected: yes. Observed: 1 variant allele. Not counted in ClinVar's aggregate classification.

Baylor Genetics
Classification: Pathogenic for Familial cancer of breast. Last evaluated: 2024-03-04. Review status: criteria provided, single submitter. Criteria: ACMG Guidelines, 2015. Collection method: clinical testing. Allele origin: unknown. Not counted in ClinVar's aggregate classification.

GeneDx
Classification: Pathogenic. Last evaluated: 2023-12-26. Review status: criteria provided, single submitter. Criteria: GeneDx Variant Classification Process June 2021. Collection method: clinical testing. Allele origin: germline. Affected: yes. Not counted in ClinVar's aggregate classification.
Comment: Nonsense variant predicted to result in protein truncation or nonsense mediated decay in a gene for which loss-of-function is a known mechanism of disease; Observed in individuals with a personal or family history consistent with pathogenic variants in this gene (PMID: 17513806); Truncating variants in this gene are considered pathogenic by a well-established clinical consortium and/or database; Not observed at significant frequency in large population cohorts (gnomAD); Also known as 1651G>T; This variant is associated with the following publications: (PMID: 32377563, 20104584, 17513806)

KCCC/NGS Laboratory, Kuwait Cancer Control Center
Classification: Pathogenic for Breast-ovarian cancer, familial, susceptibility to, 2. Last evaluated: 2023-06-06. Review status: criteria provided, single submitter. Criteria: ACMG Guidelines, 2015. Collection method: clinical testing. Allele origin: germline. Affected: yes. Not counted in ClinVar's aggregate classification.
Comment: This sequence change creates a premature translational stop signal (p.Glu475*) in the BRCA2 gene. It is expected to result in an absent or disrupted protein product. This variant is not present in gnomAD (no frequency). This variant has been observed in individual(s) with breast cancer (PMID: 17513806). ClinVar contains an entry for this variant (Variation ID: 51123) and classifies this variant as Pathogenic, rated 3 stars, reviewed by expert panel. Loss-of-function variants in BRCA2 are known to be pathogenic (PMID: 20104584). Therefore, this variant has been classified as pathogenic.

Color Diagnostics, LLC DBA Color Health
Classification: Pathogenic for Hereditary cancer-predisposing syndrome. Last evaluated: 2023-03-16. Review status: criteria provided, single submitter. Criteria: ACMG Guidelines, 2015. Collection method: clinical testing. Allele origin: germline. Not counted in ClinVar's aggregate classification.
Comment: This variant changes 1 nucleotide in exon 10 of the BRCA2 gene, creating a premature translation stop signal. This variant is expected to result in an absent or non-functional protein product. This variant has not been identified in the general population by the Genome Aggregation Database (gnomAD). Loss of BRCA2 function is a known mechanism of disease. Based on the available evidence, this variant is classified as Pathogenic.

Ambry Genetics
Classification: Pathogenic for Hereditary cancer-predisposing syndrome. Last evaluated: 2021-06-23. Review status: criteria provided, single submitter. Criteria: Ambry Variant Classification Scheme 2023. Collection method: clinical testing. Allele origin: germline. Not counted in ClinVar's aggregate classification.
Comment: The p.E475* pathogenic mutation (also known as c.1423G>T), located in coding exon 9 of the BRCA2 gene, results from a G to T substitution at nucleotide position 1423. This changes the amino acid from a glutamic acid to a stop codon within coding exon 9. In addition to the clinical data presented in the literature, this alteration is expected to result in loss of function by premature protein truncation or nonsense-mediated mRNA decay. As such, this alteration is interpreted as a disease-causing mutation.

ClinVar Staff, National Center for Biotechnology Information (NCBI)
No classification provided. Condition: Familial cancer of breast. Review status: no classification provided. Collection method: literature only. Allele origin: germline. Affected: yes. Not counted in ClinVar's aggregate classification.

Literature cited by the submitters: PubMed 20104584 (cited by Labcorp Genetics (formerly Invitae), Labcorp); PubMed 17513806 (cited by 4 submitters).

NM_000059.4(BRCA2):c.1423G>T (p.Glu475Ter)

Gene: BRCA2 (BRCA2 DNA repair associated; plus strand). Cytogenetic location: 13q13.1.
Variant type: single nucleotide variant.
Coding change: c.1423G>T on transcript NM_000059.4 (MANE Select); coding-DNA position 1423, G replaced by T.
Protein change: p.Glu475Ter; replaces glutamic acid 475 with a stop codon.
Molecular consequence: nonsense.
Genome position (GRCh38, 1-based): chr13:32,332,901, G>T. VCF-style: chr13-32332901-G-T. GRCh37 (hg19) VCF-style: chr13-32907038-G-T.
Other names: short protein forms E475*.
Identifiers: ClinVar variation 51123 (VCV000051123.25), dbSNP rs397507587, ClinGen allele CA012001.
Genomic context (GRCh38, chr13:32,332,901, plus strand): 5'-TCAGAGAAGCCATTAAATGAGGAAACAGTGGTAAATAAGAGAGATGAAGAGCAGCATCTT[G>T]AATCTCATACAGACTGCATTCTTGCAGTAAAGCAGGCAATATCTGGAACTTCTCCAGTGG-3'